The following is an entry in ClinVar:

NM_024675.4(PALB2):c.2575del (p.Ser859fs)

Gene: PALB2 (partner and localizer of BRCA2; minus strand). Cytogenetic location: 16p12.2.
Variant type: Deletion.
Coding change: c.2575del on transcript NM_024675.4 (MANE Select); coding-DNA position 2575, one base deleted (T; older notation c.2575delT).
Protein change: p.Ser859fs; shifts the reading frame from serine 859.
Molecular consequence: frameshift variant.
Genome position (GRCh38, 1-based): chr16:23,629,215, A deleted on the plus strand (T on the coding strand, the reverse complement: PALB2 is on the minus strand); the first of 3 consecutive A bases (chr16:23,629,215-23,629,217); deleting any one gives the same sequence. VCF-style (leftmost placement, unchanged base first): chr16-23629214-GA-G. GRCh37 (hg19) VCF-style: chr16-23640535-GA-G.
Other names: c.2575delT (NM_024675.3); short protein forms S859fs.
Identifiers: ClinVar variation 1050310 (VCV001050310.13), dbSNP rs2142367858, ClinGen allele CA2499223421.

ClinVar aggregate classification (germline): Pathogenic/Likely pathogenic. Review status: criteria provided, multiple submitters, no conflicts (2 of 4 stars). 5 submissions from 5 submitters: Pathogenic (3); Likely pathogenic (1). 1 of the submissions does not count toward it. Last evaluated 2026-09-16.

Conditions:
Hereditary cancer-predisposing syndrome. Also called: Tumor predisposition; Hereditary neoplastic syndrome; Neoplastic Syndromes, Hereditary; Hereditary Cancer Syndrome. Identifiers: Orphanet 140162, MedGen C0027672, MeSH D009386, MONDO:0015356.
Familial cancer of breast. Also called: Hereditary breast cancer; hereditary breast carcinoma; BREAST CANCER, FAMILIAL. Identifiers: Orphanet 227535, MedGen C0346153, MONDO:0016419, OMIM 114480. Disease mechanism: loss of function.
Malignant tumor of breast. Also called: Malignant breast neoplasm; Cancer breast. Identifiers: MedGen C0006142, MONDO:0007254. Disease mechanism: loss of function.

Submissions (5):

Myriad Genetics, Inc.
Classification: Pathogenic for Familial cancer of breast. Last evaluated: 2026-09-16. Review status: criteria provided, single submitter. Criteria: Myriad Autosomal Dominant, Autosomal Recessive and X-Linked Classification Criteria (2023). Collection method: clinical testing. Allele origin: unknown.
Comment: This variant is considered pathogenic. This variant creates a frameshift predicted to result in premature protein truncation.

Baylor Genetics
Classification: Likely pathogenic for Familial cancer of breast. Last evaluated: 2024-03-08. Review status: criteria provided, single submitter. Criteria: ACMG Guidelines, 2015. Collection method: clinical testing. Allele origin: unknown.

Ambry Genetics
Classification: Pathogenic for Hereditary cancer-predisposing syndrome. Last evaluated: 2022-12-14. Review status: criteria provided, single submitter. Criteria: Ambry Variant Classification Scheme 2023. Collection method: clinical testing. Allele origin: germline.
Comment: The c.2575delT pathogenic mutation, located in coding exon 6 of the PALB2 gene, results from a deletion of one nucleotide at nucleotide position 2575, causing a translational frameshift with a predicted alternate stop codon (p.S859Qfs*3). This alteration was identified in 1 of 3251 individuals who met eligibility criteria for hereditary breast and ovarian cancer syndrome (Lerner-Ellis J et al. J Cancer Res Clin Oncol, 2021 Mar;147:871-879). This variant is considered to be rare based on population cohorts in the Genome Aggregation Database (gnomAD). In addition to the clinical data presented in the literature, this alteration is expected to result in loss of function by premature protein truncation or nonsense-mediated mRNA decay. As such, this alteration is interpreted as a disease-causing mutation.

Labcorp Genetics (formerly Invitae), Labcorp
Classification: Pathogenic for Familial cancer of breast. Last evaluated: 2022-03-04. Review status: criteria provided, single submitter. Criteria: Invitae Variant Classification Sherloc (09022015). Collection method: clinical testing. Allele origin: germline.
Comment: This variant has not been reported in the literature in individuals affected with PALB2-related conditions. This sequence change creates a premature translational stop signal (p.Ser859Glnfs*3) in the PALB2 gene. It is expected to result in an absent or disrupted protein product. Loss-of-function variants in PALB2 are known to be pathogenic (PMID: 17200668, 17200671, 17200672, 24136930, 25099575). This variant is not present in population databases (gnomAD no frequency). ClinVar contains an entry for this variant (Variation ID: 1050310). For these reasons, this variant has been classified as Pathogenic.

Department of Pathology and Laboratory Medicine, Sinai Health System
Classification: Pathogenic for Malignant tumor of breast. Review status: no assertion criteria provided. Collection method: clinical testing. Allele origin: unknown. Affected: yes. Observed: 1 variant allele. Study: The Canadian Open Genetics Repository (COGR). Not counted in ClinVar's aggregate classification.
Comment: The PALB2 p.Ser859Glnfs*3 variant was not identified in the literature nor was it identified in the dbSNP, ClinVar, Cosmic, LOVD 3.0, or Zhejiang University databases, the 1000 Genomes Project, the NHLBI GO Exome Sequencing Project, the Exome Aggregation Consortium (August 8th 2016), or the Genome Aggregation Database (Feb 27, 2017). The c.2575del variant is predicted to cause a frameshift, which alters the protein's amino acid sequence beginning at codon 859 and leads to a premature stop codon at position 861. This alteration is then predicted to result in a truncated or absent protein and loss of function. Loss of function variants of the PALB2 gene are an established mechanism of disease in PALB2 associated cancers and is the type of variant expected to cause the disorder. In summary, based on the above information this variant meets our laboratoryâ€šÃ„Ã´s criteria to be classified as pathogenic.

Literature cited by the submitters: PubMed 32885271 (cited by Ambry Genetics); PubMed 17200668 (cited by Labcorp Genetics (formerly Invitae), Labcorp); PubMed 17200671 (cited by Labcorp Genetics (formerly Invitae), Labcorp); PubMed 17200672 (cited by Labcorp Genetics (formerly Invitae), Labcorp); PubMed 24136930 (cited by Labcorp Genetics (formerly Invitae), Labcorp); PubMed 25099575 (cited by Labcorp Genetics (formerly Invitae), Labcorp).